The following is an entry in ClinVar:

NM_020529.3(NFKBIA):c.11C>T (p.Ala4Val)

Genes: NFKBIA (NFKB inhibitor alpha; minus strand), LOC130055497 (ATAC-STARR-seq lymphoblastoid silent region 5676; plus strand). Cytogenetic location: 14q13.2.
Variant type: single nucleotide variant.
Coding change: c.11C>T on transcript NM_020529.3 (MANE Select); coding-DNA position 11, C replaced by T.
Protein change: p.Ala4Val; replaces alanine 4 with valine.
Molecular consequence: missense variant.
Genome position (GRCh38, 1-based): chr14:35,404,634, G>A on the plus strand (C>T on the coding strand, the complement: NFKBIA is on the minus strand). VCF-style: chr14-35404634-G-A. GRCh37 (hg19) VCF-style: chr14-35873840-G-A.
Other names: short protein forms A4V.
Identifiers: ClinVar variation 1378105 (VCV001378105.8), dbSNP rs1394403932, ClinGen allele CA389455508.

ClinVar aggregate classification (germline): Uncertain significance (1 of 4 stars; one submission).

Conditions:
Ectodermal dysplasia and immunodeficiency 2. Identifiers: Orphanet 238468, Orphanet 98813, MedGen C2677481, MONDO:0012806, OMIM 612132.

Allele frequency attached by ClinVar (database versions not stated): TOPMed below 0.00001; gnomAD 0.00001.
gnomAD v4.1: 3 of 1,507,708 alleles (0.0002%); highest among the groups gnomAD compares: Non-Finnish European, 0.00027%; no homozygotes.

Submission:

Labcorp Genetics (formerly Invitae), Labcorp
Classification: Uncertain significance for Ectodermal dysplasia and immunodeficiency 2. Last evaluated: 2022-02-02. Review status: criteria provided, single submitter. Criteria: Invitae Variant Classification Sherloc (09022015). Collection method: clinical testing. Allele origin: germline.
Comment: In summary, the available evidence is currently insufficient to determine the role of this variant in disease. Therefore, it has been classified as a Variant of Uncertain Significance. Algorithms developed to predict the effect of sequence changes on RNA splicing suggest that this variant may create or strengthen a splice site. Algorithms developed to predict the effect of missense changes on protein structure and function (SIFT, PolyPhen-2, Align-GVGD) all suggest that this variant is likely to be tolerated. This variant has not been reported in the literature in individuals affected with NFKBIA-related conditions. This variant is not present in population databases (gnomAD no frequency). This sequence change replaces alanine, which is neutral and non-polar, with valine, which is neutral and non-polar, at codon 4 of the NFKBIA protein (p.Ala4Val).